The following is an entry in ClinVar:

NM_001278293.3(ARL6):c.551_552del (p.Val184fs)

Gene: ARL6 (ARF like GTPase 6; plus strand). Cytogenetic location: 3q11.2.
Variant type: Microsatellite.
Coding change: c.551_552del on transcript NM_001278293.3 (MANE Select); coding-DNA positions 551 to 552, 2 bases deleted (TG; older notation c.551_552delTG).
Protein change: p.Val184fs; shifts the reading frame from valine 184.
Molecular consequence: frameshift variant. On other transcripts: nonsense (1), 3 prime UTR variant (1), non-coding transcript variant (7).
Genome position (GRCh38, 1-based): chr3:97,798,039-97,798,040, TG deleted; deleting any 2 consecutive bases within chr3:97,798,037-97,798,040 gives the same sequence; the c. name uses the placement nearest the transcript's 3' end. VCF-style (leftmost placement, unchanged base first): chr3-97798036-CTG-C. GRCh37 (hg19) VCF-style: chr3-97516880-CTG-C.
Other names: c.564_565del, p.Cys188_Glu189delinsTer (NM_001323513.2); c.*13TG[1] (NM_001323514.2); c.551_552del, p.Val184fs (NM_032146.5, NM_177976.3); short protein forms V184fs.
Identifiers: ClinVar variation 954679 (VCV000954679.6), dbSNP rs2038086555, ClinGen allele CA1386998545.

ClinVar aggregate classification (germline): Uncertain significance (1 of 4 stars; one submission).

Conditions:
Bardet-Biedl syndrome 3 (BBS3). Identifiers: Orphanet 110, MedGen C1859564, MONDO:0010832, OMIM 600151.
Retinitis pigmentosa 55 (RP55). Identifiers: Orphanet 791, MedGen C3150808, MONDO:0013312, OMIM 613575.

Submission:

Labcorp Genetics (formerly Invitae), Labcorp
Classification: Uncertain significance for Retinitis pigmentosa 55; Bardet-Biedl syndrome 3. Last evaluated: 2019-11-05. Review status: criteria provided, single submitter. Criteria: Invitae Variant Classification Sherloc (09022015). Collection method: clinical testing. Allele origin: germline.
Comment: This sequence change results in a frameshift in the ARL6 gene (p.Val184Glufs*6). While this is not anticipated to result in nonsense mediated decay, it is expected to disrupt the last 3 amino acids of the ARL6 protein and extend the protein by an additional 2 amino acids. This variant is not present in population databases (ExAC no frequency). This variant has not been reported in the literature in individuals with ARL6-related conditions. Experimental studies and prediction algorithms are not available or were not evaluated, and the functional significance of this variant is currently unknown. In summary, the available evidence is currently insufficient to determine the role of this variant in disease. Therefore, it has been classified as a Variant of Uncertain Significance.